The following is an entry in ClinVar:

ClinVar aggregate classification (germline): Uncertain significance (1 of 4 stars; one submission).

Submission:

GeneDx
Classification: Uncertain significance. Last evaluated: 2020-10-16. Review status: criteria provided, single submitter. Criteria: GeneDx Variant Classification Process June 2021. Collection method: clinical testing. Allele origin: germline. Affected: yes.
Comment: Not observed in large population cohorts (Lek et al., 2016); In silico analysis supports that this missense variant has a deleterious effect on protein structure/function; Has not been previously published as pathogenic or benign to our knowledge

NM_000156.6(GAMT):c.518C>T (p.Ser173Phe)

Gene: GAMT (guanidinoacetate N-methyltransferase; minus strand). Cytogenetic location: 19p13.3.
Variant type: single nucleotide variant.
Coding change: c.518C>T on transcript NM_000156.6 (MANE Select); coding-DNA position 518, C replaced by T.
Protein change: p.Ser173Phe; replaces serine 173 with phenylalanine.
Molecular consequence: missense variant.
Genome position (GRCh38, 1-based): chr19:1,398,968, G>A on the plus strand (C>T on the coding strand, the complement: GAMT is on the minus strand). VCF-style: chr19-1398968-G-A. GRCh37 (hg19) VCF-style: chr19-1398967-G-A.
Other names: c.518C>T, p.Ser173Phe (NM_138924.3); short protein forms S173F.
Identifiers: ClinVar variation 1303300 (VCV001303300.2), dbSNP rs2144636300, ClinGen allele CA402994401.
Genomic context (GRCh38, chr19:1,398,968, plus strand): 5'-GGGCGCACCTCAAACATGATGGTGATGTCTGAGTACTTGGACTTCATCAGCTCCCCCCAG[G>A]AGGTGAGGTTGCAGTAGGTGAGGACGCCCCCCGGCTTCAGCAGGCGAAAGGCGTGGTTCT-3'
Protein context (NP_000147.1, residues 163-183): GGVLTYCNLT[Ser173Phe]WGELMKSKYS